The following is an entry in ClinVar:

NM_016239.4(MYO15A):c.5810G>A (p.Arg1937His)

Gene: MYO15A (myosin XVA; plus strand). Cytogenetic location: 17p11.2.
Variant type: single nucleotide variant.
Coding change: c.5810G>A on transcript NM_016239.4 (MANE Select); coding-DNA position 5810, G replaced by A.
Protein change: p.Arg1937His; replaces arginine 1937 with histidine.
Molecular consequence: missense variant.
Genome position (GRCh38, 1-based): chr17:18,142,239, G>A. VCF-style: chr17-18142239-G-A. GRCh37 (hg19) VCF-style: chr17-18045553-G-A.
Other names: c.5810G>A (NM_016239.3); short protein forms R1937H.
Identifiers: ClinVar variation 1180676 (VCV001180676.9), dbSNP rs374183624, ClinGen allele CA8424398.

ClinVar aggregate classification (germline): Pathogenic/Likely pathogenic. Review status: criteria provided, multiple submitters, no conflicts (2 of 4 stars). 6 submissions from 6 submitters: Pathogenic (3); Likely pathogenic (3). Last evaluated 2026-07-22.

Conditions:
MYO15A-related disorder. Also called: MYO15A-related condition.
Autosomal recessive nonsyndromic hearing loss 3. Also called: NEUROSENSORY NONSYNDROMIC RECESSIVE DEAFNESS 3. Identifiers: Orphanet 90636, MedGen C1838263, MONDO:0010860, OMIM 600316.
Ear malformation. Also called: CUP EAR; Abnormality of the ear. Identifiers: MedGen C0266589, MONDO:0007500, OMIM 128600, HP:0000598.

Allele frequency attached by ClinVar (database versions not stated): ExAC 0.00001; gnomAD 0.00001; TOPMed 0.00001; gnomAD exomes 0.00003; ESP Exome Variant Server 0.00008.
gnomAD v4.1: 28 of 1,612,738 alleles (0.0017%); highest among the groups gnomAD compares: African/African-American, 0.0027%; no homozygotes.

Submissions (6):

PreventionGenetics, part of Exact Sciences
Classification: Likely pathogenic for MYO15A-related condition. Last evaluated: 2026-07-22. Review status: criteria provided, single submitter. Criteria: ACMG Guidelines, 2015. Collection method: clinical testing. Allele origin: germline.
Comment: The MYO15A c.5810G>A variant is predicted to result in the amino acid substitution p.Arg1937His. This variant was reported in the homozygous state in multiple affected individuals from a consanguineous family with non-syndromic hearing loss (Fattahi et al. 2012. PubMed ID: 22736430). This variant has also been reported along with MYO15A splicing variants in at least three individuals with non-syndromic hearing loss (with c.3867-1G>A in Bazazzadegan et al. 2019. PubMed ID: 31850270; with c.5134-2A>G in Morovvati et al. 2025. PubMed ID: 40275102; with c.4596+2dup in Sloan-Heggen et al. 2016. PubMed ID: 26969326). This variant is reported in 0.0047% of alleles in individuals of European (Finnish) descent in gnomAD. This variant is interpreted as likely pathogenic.

ENT and Head and Neck Research Center and Department,  The Five Senses Health Institute, Iran University of Medical Sciences
Classification: Pathogenic for Autosomal recessive nonsyndromic hearing loss 3. Last evaluated: 2024-11-02. Review status: criteria provided, single submitter. Criteria: ClinGen HL ACMG Specifications v1. Collection method: clinical testing. Allele origin: germline. Affected: yes.
Comment: PM5: Alternative variant chr17:18142238 C⇒G (Arg1937Gly) is classified Pathogenic, 1 star, by ClinVar (confirmed using the germline classifier)., PP3: MetaRNN = 0.886 is between 0.841 and 0.939 ⇒ moderate pathogenic., PM1: UniProt protein MYO15_HUMAN domain 'IQ 2' has 14 missense/in-frame variants (2 pathogenic variants, 12 uncertain variants and no benign), which qualifies as supporting pathogenic., PM2: GnomAD genomes homozygous allele count = 0 is less than 2 for AR gene MYO15A, good gnomAD genomes coverage = 32.1., PP5: Combined evidence strength is Supporting (score = 1).Supporting: ClinVar classifies this variant as Pathogenic, 2 stars (reviewed Jul '24, 2 submissions), citing 2 articles (31850270 and 22736430).

Fulgent Genetics
Classification: Likely pathogenic for Autosomal recessive nonsyndromic hearing loss 3. Last evaluated: 2024-04-21. Review status: criteria provided, single submitter. Criteria: ACMG Guidelines, 2015. Collection method: clinical testing. Allele origin: germline.

Labcorp Genetics (formerly Invitae), Labcorp
Classification: Pathogenic. Last evaluated: 2024-02-09. Review status: criteria provided, single submitter. Criteria: Invitae Variant Classification Sherloc (09022015). Collection method: clinical testing. Allele origin: germline.
Comment: This sequence change replaces arginine, which is basic and polar, with histidine, which is basic and polar, at codon 1937 of the MYO15A protein (p.Arg1937His). This variant is present in population databases (rs374183624, gnomAD 0.005%). This missense change has been observed in individuals with autosomal recessive deafness (PMID: 22736430, 31850270). It has also been observed to segregate with disease in related individuals. ClinVar contains an entry for this variant (Variation ID: 1180676). Advanced modeling of protein sequence and biophysical properties (such as structural, functional, and spatial information, amino acid conservation, physicochemical variation, residue mobility, and thermodynamic stability) has been performed at Invitae for this missense variant, however the output from this modeling did not meet the statistical confidence thresholds required to predict the impact of this variant on MYO15A protein function. For these reasons, this variant has been classified as Pathogenic.

Blueprint Genetics
Classification: Pathogenic for MYO15A-related disorders. Last evaluated: 2023-10-31. Review status: criteria provided, single submitter. Criteria: ACMG Guidelines, 2015. Collection method: clinical testing. Allele origin: germline. Affected: yes. Observed: 5 variant alleles.

Kariminejad - Najmabadi Pathology & Genetics Center
Classification: Likely pathogenic for Ear malformation. Last evaluated: 2021-07-10. Review status: criteria provided, single submitter. Criteria: ACMG Guidelines, 2015. Collection method: clinical testing. Allele origin: germline. Affected: yes.

Literature cited by the submitters: DOI 10.1038/s41598-025-99417-7 (cited by ENT and Head and Neck Research Center and Department,  The Five Senses Health Institute, Iran University of Medical Sciences); PubMed 22736430 (cited by Labcorp Genetics (formerly Invitae), Labcorp); PubMed 31850270 (cited by Labcorp Genetics (formerly Invitae), Labcorp).